The following is an entry in ClinVar:

NM_004168.4(SDHA):c.133G>C (p.Ala45Pro)

Gene: SDHA (succinate dehydrogenase complex flavoprotein subunit A; plus strand). Cytogenetic location: 5p15.33.
Variant type: single nucleotide variant.
Coding change: c.133G>C on transcript NM_004168.4 (MANE Select); coding-DNA position 133, G replaced by C.
Protein change: p.Ala45Pro; replaces alanine 45 with proline.
Molecular consequence: missense variant.
Genome position (GRCh38, 1-based): chr5:223,551, G>C. VCF-style: chr5-223551-G-C. GRCh37 (hg19) VCF-style: chr5-223666-G-C.
Other names: c.133G>C, p.Ala45Pro (NM_001294332.2, NM_001330758.2); short protein forms A45P.
Identifiers: ClinVar variation 1474122 (VCV001474122.12), dbSNP rs140736646, ClinGen allele CA359008260.
Genomic context (GRCh38, chr5:223,551, plus strand): 5'-GTGTTGCAAACAGGAACCCGAGGTTTTCACTTCACTGTTGATGGGAACAAGAGGGCATCT[G>C]CTAAAGTTTCAGATTCCGTAAGTTCATGCTTTTTGTTCCATTATAAATGATTTTTTTGGC-3'
Protein context (NP_004159.2, residues 35-55): FTVDGNKRAS[Ala45Pro]KVSDSISAQY

ClinVar aggregate classification (germline): Uncertain significance. Review status: criteria provided, multiple submitters, no conflicts (2 of 4 stars). 3 submissions from 3 submitters: Uncertain significance (3). Last evaluated 2024-12-04.

Conditions:
Mitochondrial complex II deficiency, nuclear type 1. Also called: SUCCINATE CoQ REDUCTASE DEFICIENCY. Identifiers: Orphanet 3208, MedGen C5700310, MONDO:0100294, OMIM 252011.
Pheochromocytoma/paraganglioma syndrome 5. Also called: SDHA-Related Hereditary Paraganglioma-Pheochromocytoma Syndrome; Paragangliomas 5. Identifiers: Orphanet 29072, MedGen C3279992, MONDO:0013602, OMIM 614165.
Hereditary cancer-predisposing syndrome. Also called: Tumor predisposition; Hereditary neoplastic syndrome; Neoplastic Syndromes, Hereditary; Hereditary Cancer Syndrome. Identifiers: Orphanet 140162, MedGen C0027672, MeSH D009386, MONDO:0015356.

gnomAD v4.1: 5 of 1,613,410 alleles (0.00031%); highest among the groups gnomAD compares: Non-Finnish European, 0.00042%; no homozygotes.

Submissions (3):

Labcorp Genetics (formerly Invitae), Labcorp
Classification: Uncertain significance for Pheochromocytoma/paraganglioma syndrome 5; Mitochondrial complex II deficiency, nuclear type 1. Last evaluated: 2024-12-04. Review status: criteria provided, single submitter. Criteria: Invitae Variant Classification Sherloc (09022015). Collection method: clinical testing. Allele origin: germline.
Comment: This sequence change replaces alanine, which is neutral and non-polar, with proline, which is neutral and non-polar, at codon 45 of the SDHA protein (p.Ala45Pro). This variant is not present in population databases (gnomAD no frequency). This variant has not been reported in the literature in individuals affected with SDHA-related conditions. ClinVar contains an entry for this variant (Variation ID: 1474122). Invitae Evidence Modeling of protein sequence and biophysical properties (such as structural, functional, and spatial information, amino acid conservation, physicochemical variation, residue mobility, and thermodynamic stability) indicates that this missense variant is not expected to disrupt SDHA protein function with a negative predictive value of 95%. In summary, the available evidence is currently insufficient to determine the role of this variant in disease. Therefore, it has been classified as a Variant of Uncertain Significance.

Ambry Genetics
Classification: Uncertain significance for Hereditary cancer-predisposing syndrome. Last evaluated: 2024-05-10. Review status: criteria provided, single submitter. Criteria: Ambry Variant Classification Scheme 2023. Collection method: clinical testing. Allele origin: germline.
Comment: The p.A45P variant (also known as c.133G>C), located in coding exon 2 of the SDHA gene, results from a G to C substitution at nucleotide position 133. The alanine at codon 45 is replaced by proline, an amino acid with highly similar properties. This amino acid position is conserved. In addition, the in silico prediction for this alteration is inconclusive. Based on the available evidence, the clinical significance of this variant remains unclear.

Blueprint Genetics
Classification: Uncertain significance. Last evaluated: 2023-12-12. Review status: criteria provided, single submitter. Criteria: ACMG Guidelines, 2015. Collection method: clinical testing. Allele origin: germline.